The following is an entry in ClinVar:

ClinVar aggregate classification (germline): Likely pathogenic (1 of 4 stars; one submission).

Conditions:
Usher syndrome type 1 (USH1). Also called: RETINITIS PIGMENTOSA AND CONGENITAL DEAFNESS. Identifiers: Orphanet 231169, Orphanet 886, MedGen C1568247, MONDO:0010168, OMIM 276900.

Submission:

Natera, Inc.
Classification: Likely pathogenic for Usher syndrome type 1. Last evaluated: 2024-08-19. Review status: criteria provided, single submitter. Criteria: Natera Variant Classification Schema (03/2026). Collection method: clinical testing. Allele origin: germline.
Comment: The c.4772del variant in CDH23 is a frameshift variant predicted to shift the reading frame beginning at codon 1591 and leads to a stop codon 32 codons downstream. This variant is expected to result in nonsense mediated decay, truncation, or a dysfunctional protein product. This variant is rare in the general population with a frequency below the threshold expected for the associated phenotype(s). Given the available evidence, this variant is classified as Likely Pathogenic.

NM_022124.6(CDH23):c.4772del (p.Pro1591fs)

Gene: CDH23 (cadherin related 23; plus strand). Cytogenetic location: 10q22.1.
Variant type: Deletion.
Coding change: c.4772del on transcript NM_022124.6 (MANE Select); coding-DNA position 4772, one base deleted (C; older notation c.4772delC).
Protein change: p.Pro1591fs; shifts the reading frame from proline 1591.
Molecular consequence: frameshift variant.
Genome position (GRCh38, 1-based): chr10:71,741,848, C deleted; the last of 4 consecutive C bases (chr10:71,741,845-71,741,848); deleting any one gives the same sequence. VCF-style (leftmost placement, unchanged base first): chr10-71741844-GC-G. GRCh37 (hg19) VCF-style: chr10-73501601-GC-G.
Other names: short protein forms P1591fs.
Identifiers: ClinVar variation 4816082 (VCV004816082.1).
Genomic context (GRCh38, chr10:71,741,844, plus strand): 5'-GGCAACAAGGACATGGCCTTCCGCATGGACCGCATCAGCGGTGAGATCGCCACACGGCCT[GC>G]CCCGCCTGACCGCGAGCGCCAGAGCTTCTACCACCTGGTGGCCACTGTGGAGGACGAGGG-3'